The following is an entry in ClinVar:

NM_001035.3(RYR2):c.227G>A (p.Arg76Gln)

Gene: RYR2 (ryanodine receptor 2; plus strand). Cytogenetic location: 1q43.
Variant type: single nucleotide variant.
Coding change: c.227G>A on transcript NM_001035.3 (MANE Select); coding-DNA position 227, G replaced by A.
Protein change: p.Arg76Gln; replaces arginine 76 with glutamine.
Molecular consequence: missense variant.
Genome position (GRCh38, 1-based): chr1:237,330,936, G>A. VCF-style: chr1-237330936-G-A. GRCh37 (hg19) VCF-style: chr1-237494236-G-A.
Other names: c.227G>A (NM_001035.2); short protein forms R76Q.
Identifiers: ClinVar variation 923928 (VCV000923928.14), dbSNP rs1696646305, ClinGen allele CA345654653.
Genomic context (GRCh38, chr1:237,330,936, plus strand): 5'-AGAATGTGCCCCCAGACCTCTCCATCTGCACCTTTGTGCTGGAGCAGTCCCTCTCTGTCC[G>A]GGCGCTGCAGGAGATGCTGGCTAACACCGTGGAGAAATCAGAAGGGGCAAGTACCCAATT-3'
Protein context (NP_001026.2, residues 66-86): TFVLEQSLSV[Arg76Gln]ALQEMLANTV

ClinVar aggregate classification (germline): Uncertain significance. Review status: criteria provided, multiple submitters, no conflicts (2 of 4 stars). 3 submissions from 3 submitters: Uncertain significance (3). Last evaluated 2025-07-01.

Conditions:
Catecholaminergic polymorphic ventricular tachycardia 1. Also called: VENTRICULAR TACHYCARDIA, CATECHOLAMINERGIC POLYMORPHIC, 1, WITH OR WITHOUT ATRIAL DYSFUNCTION AND/OR DILATED CARDIOMYOPATHY; RYR2-Related Catecholaminergic Polymorphic Ventricular Tachycardia; VENTRICULAR TACHYCARDIA, STRESS-INDUCED POLYMORPHIC 1. Identifiers: Orphanet 3286, MedGen C1631597, MONDO:0011484, OMIM 604772.
Cardiomyopathy (CMYO). Also called: Cardiomyopathies. Identifiers: Orphanet 167848, MedGen C0878544, MONDO:0004994, HP:0001638. Inheritance: Various modes of inheritance.

Submissions (3):

Color Diagnostics, LLC DBA Color Health
Classification: Uncertain significance for Cardiomyopathy. Last evaluated: 2025-07-01. Review status: criteria provided, single submitter. Criteria: ACMG Guidelines, 2015. Collection method: clinical testing. Allele origin: germline.
Comment: This missense variant replaces arginine with glutamine at codon 76 of the RYR2 protein. This variant occurs in a region of the RYR2 protein that is considered to be a hotspot for pathogenic variants that contribute to catecholaminergic polymorphic ventricular tachycardia susceptibility (PMID: 29453246, 30696458). Computational prediction suggests that this variant may have a deleterious impact on protein structure and function. To our knowledge, functional studies have not been reported for this variant. This variant has not been reported in individuals affected with RYR2-related disorders in the literature. This variant has not been identified in the general population by the Genome Aggregation Database (gnomAD). The available evidence is insufficient to determine the role of this variant in disease conclusively. Therefore, this variant is classified as a Variant of Uncertain Significance.

Labcorp Genetics (formerly Invitae), Labcorp
Classification: Uncertain significance for Catecholaminergic polymorphic ventricular tachycardia 1. Last evaluated: 2025-04-17. Review status: criteria provided, single submitter. Criteria: Invitae Variant Classification Sherloc (09022015). Collection method: clinical testing. Allele origin: germline.
Comment: This sequence change replaces arginine, which is basic and polar, with glutamine, which is neutral and polar, at codon 76 of the RYR2 protein (p.Arg76Gln). This variant is not present in population databases (gnomAD no frequency). This variant has not been reported in the literature in individuals affected with RYR2-related conditions. ClinVar contains an entry for this variant (Variation ID: 923928). Invitae Evidence Modeling of protein sequence and biophysical properties (such as structural, functional, and spatial information, amino acid conservation, physicochemical variation, residue mobility, and thermodynamic stability) indicates that this missense variant is expected to disrupt RYR2 protein function with a positive predictive value of 95%. In summary, the available evidence is currently insufficient to determine the role of this variant in disease. Therefore, it has been classified as a Variant of Uncertain Significance.

GeneDx
Classification: Uncertain significance. Last evaluated: 2021-06-28. Review status: criteria provided, single submitter. Criteria: GeneDx Variant Classification Process June 2021. Collection method: clinical testing. Allele origin: germline. Affected: yes.
Comment: Has not been previously published as pathogenic or benign to our knowledge; Not observed at significant frequency in large population cohorts (Lek et al., 2016); In silico analysis supports that this missense variant has a deleterious effect on protein structure/function; Not located in one of the three hot-spot regions of the RYR2 gene, where the majority of pathogenic missense variants occur (Medeiros-Domingo et al., 2009); Reported in ClinVar as a variant of uncertain significance (ClinVar Variant ID# 923928; Landrum et al., 2016); This variant is associated with the following publications: (PMID: 26582918, 27535533)

Literature cited by the submitters: PubMed 29453246 (cited by Color Diagnostics, LLC DBA Color Health); PubMed 30696458 (cited by Color Diagnostics, LLC DBA Color Health).